The following is an entry in ClinVar:

ClinVar aggregate classification (germline): Uncertain significance (1 of 4 stars; one submission).

Conditions:
Combined immunodeficiency with skin granulomas. Identifiers: Orphanet 157949, MedGen C2673536, MONDO:0009306, OMIM 233650.
Severe combined immunodeficiency, autosomal recessive, T cell-negative, B cell-negative, NK cell-positive. Also called: Severe combined immunodeficiency due to complete RAG1/2 deficiency; SCID, T CELL-NEGATIVE, B CELL-NEGATIVE, NK CELL-POSITIVE; SCID, AR, T-cell negative, B-cell negative, NK cell-positive. Identifiers: Orphanet 331206, MedGen C1832322, MONDO:0011086, OMIM 601457.

Submission:

Labcorp Genetics (formerly Invitae), Labcorp
Classification: Uncertain significance for Combined immunodeficiency with skin granulomas; Severe combined immunodeficiency, autosomal recessive, T cell-negative, B cell-negative, NK cell-positive. Last evaluated: 2019-07-10. Review status: criteria provided, single submitter. Criteria: Invitae Variant Classification Sherloc (09022015). Collection method: clinical testing. Allele origin: germline.
Comment: This variant has not been reported in the literature in individuals with RAG1-related conditions. In summary, the available evidence is currently insufficient to determine the role of this variant in disease. Therefore, it has been classified as a Variant of Uncertain Significance. Algorithms developed to predict the effect of missense changes on protein structure and function are either unavailable or do not agree on the potential impact of this missense change (SIFT: "Deleterious"; PolyPhen-2: "Probably Damaging"; Align-GVGD: "Class C0"). This variant is not present in population databases (ExAC no frequency). This sequence change replaces alanine with serine at codon 960 of the RAG1 protein (p.Ala960Ser). The alanine residue is highly conserved and there is a moderate physicochemical difference between alanine and serine.

NM_000448.3(RAG1):c.2878G>T (p.Ala960Ser)

Gene: RAG1 (recombination activating 1; plus strand). Cytogenetic location: 11p12.
Variant type: single nucleotide variant.
Coding change: c.2878G>T on transcript NM_000448.3 (MANE Select); coding-DNA position 2878, G replaced by T.
Protein change: p.Ala960Ser; replaces alanine 960 with serine.
Molecular consequence: missense variant.
Genome position (GRCh38, 1-based): chr11:36,576,182, G>T. VCF-style: chr11-36576182-G-T. GRCh37 (hg19) VCF-style: chr11-36597732-G-T.
Other names: c.2878G>T, p.Ala960Ser (NM_001377277.1, NM_001377278.1, NM_001377279.1 and 1 more transcripts); short protein forms A960S.
Identifiers: ClinVar variation 946316 (VCV000946316.9), dbSNP rs897086171, ClinGen allele CA380135715.